The following is an entry in ClinVar:

ClinVar aggregate classification (germline): Likely benign (0 of 4 stars; one submission).

Conditions:
PHF3-related disorder. Also called: PHF3-related condition.

gnomAD v4.1: 195 of 1,613,906 alleles (0.012%); highest among the groups gnomAD compares: Non-Finnish European, 0.015%; 1 homozygote.

Submission:

PreventionGenetics, part of Exact Sciences
Classification: Likely benign for PHF3-related condition. Last evaluated: 2024-04-19. Review status: no assertion criteria provided. Collection method: clinical testing. Allele origin: germline.
Comment: This variant is classified as likely benign based on ACMG/AMP sequence variant interpretation guidelines (Richards et al. 2015 PMID: 25741868, with internal and published modifications).

NM_001370348.2(PHF3):c.1335C>T (p.Asp445=)

Gene: PHF3 (PHD finger protein 3; plus strand). Cytogenetic location: 6q12.
Variant type: single nucleotide variant.
Coding change: c.1335C>T on transcript NM_001370348.2 (MANE Select); coding-DNA position 1335, C replaced by T.
Protein change: p.Asp445=; no amino-acid change (aspartic acid 445 retained).
Molecular consequence: synonymous variant. On other transcripts: intron variant (1).
Genome position (GRCh38, 1-based): chr6:63,685,057, C>T. VCF-style: chr6-63685057-C-T. GRCh37 (hg19) VCF-style: chr6-64394958-C-T.
Other names: c.1071C>T, p.Asp357= (NM_001290259.2, NM_001370349.2); c.1335C>T, p.Asp445= (NM_001290260.2, NM_015153.4); c.-5+4896C>T (NM_001370350.2).
Identifiers: ClinVar variation 3355049 (VCV003355049.1).